The following is an entry in ClinVar:

NM_003079.5(SMARCE1):c.52-3C>A

Gene: SMARCE1 (SWI/SNF related BAF chromatin remodeling complex subunit E1; minus strand). Cytogenetic location: 17q21.2.
Variant type: single nucleotide variant.
Coding change: c.52-3C>A on transcript NM_003079.5 (MANE Select); 3 bases into the intron before coding-DNA position 52, C replaced by A.
Molecular consequence: intron variant.
Genome position (GRCh38, 1-based): chr17:40,642,562, G>T on the plus strand (C>A on the coding strand, the complement: SMARCE1 is on the minus strand). VCF-style: chr17-40642562-G-T. GRCh37 (hg19) VCF-style: chr17-38798814-G-T.
Identifiers: ClinVar variation 1706667 (VCV001706667.3), dbSNP rs2508613655, ClinGen allele CA2580093673.

ClinVar aggregate classification (germline): Uncertain significance (1 of 4 stars; one submission).

Submission:

GeneDx
Classification: Uncertain significance. Last evaluated: 2024-12-12. Review status: criteria provided, single submitter. Criteria: GeneDx Variant Classification Process June 2021. Collection method: clinical testing. Allele origin: germline. Affected: yes.
Comment: Not observed at significant frequency in large population cohorts (gnomAD); Has not been previously published as pathogenic or benign to our knowledge; In silico analysis is inconclusive as to whether the variant alters gene splicing. In the absence of RNA/functional studies, the actual effect of this sequence change is unknown.